The following is an entry in ClinVar:

ClinVar aggregate classification (germline): Uncertain significance (1 of 4 stars; one submission).

Conditions:
Werner syndrome (WRN). Identifiers: Orphanet 902, MedGen C0043119, MONDO:0010196, OMIM 277700.

Submission:

Labcorp Genetics (formerly Invitae), Labcorp
Classification: Uncertain significance for Werner syndrome. Last evaluated: 2018-05-24. Review status: criteria provided, single submitter. Criteria: Invitae Variant Classification Sherloc (09022015). Collection method: clinical testing. Allele origin: germline.
Comment: Algorithms developed to predict the effect of missense changes on protein structure and function output the following: SIFT: "Tolerated"; PolyPhen-2: "Benign"; Align-GVGD: "Class C0". The alanine amino acid residue is found in multiple mammalian species, suggesting that this missense change does not adversely affect protein function. These predictions have not been confirmed by published functional studies and their clinical significance is uncertain. In summary, the available evidence is currently insufficient to determine the role of this variant in disease. Therefore, it has been classified as a Variant of Uncertain Significance. This sequence change replaces threonine with alanine at codon 1024 of the WRN protein (p.Thr1024Ala). The threonine residue is weakly conserved and there is a small physicochemical difference between threonine and alanine. This variant is not present in population databases (ExAC no frequency). This variant has not been reported in the literature in individuals with WRN-related disease.

NM_000553.6(WRN):c.3070A>G (p.Thr1024Ala)

Gene: WRN (WRN RecQ like helicase; plus strand). Cytogenetic location: 8p12.
Variant type: single nucleotide variant.
Coding change: c.3070A>G on transcript NM_000553.6 (MANE Select); coding-DNA position 3070, A replaced by G.
Protein change: p.Thr1024Ala; replaces threonine 1024 with alanine.
Molecular consequence: missense variant.
Genome position (GRCh38, 1-based): chr8:31,141,532, A>G. VCF-style: chr8-31141532-A-G. GRCh37 (hg19) VCF-style: chr8-30999048-A-G.
Other names: short protein forms T1024A.
Identifiers: ClinVar variation 566640 (VCV000566640.4), dbSNP rs1563376455, ClinGen allele CA370922190.